The following is an entry in ClinVar:

NM_001353345.2(SETD1B):c.1981_1986del (p.Val661_Val662del)

Gene: SETD1B (SET domain containing 1B, histone lysine methyltransferase; plus strand). Cytogenetic location: 12q24.31.
Variant type: Deletion.
Coding change: c.1981_1986del on transcript NM_001353345.2 (MANE Select); coding-DNA positions 1981 to 1986, 6 bases deleted (GTGGTG; older notation c.1981_1986delGTGGTG).
Protein change: p.Val661_Val662del.
Molecular consequence: inframe deletion.
Genome position (GRCh38, 1-based): chr12:121,814,196-121,814,201, GTGGTG deleted; deleting any 6 consecutive bases within chr12:121,814,194-121,814,201 gives the same sequence; the c. name uses the placement nearest the transcript's 3' end. VCF-style (leftmost placement, unchanged base first): chr12-121814193-ATGGTGG-A. GRCh37 (hg19) VCF-style: chr12-122252099-ATGGTGG-A.
Other names: c.1981_1986del6 (NM_001353345.1); c.1981_1986delGTGGTG (NM_001353345.2).
Identifiers: ClinVar variation 1698531 (VCV001698531.4), dbSNP rs2137560114, ClinGen allele CA482188539.

ClinVar aggregate classification (germline): Uncertain significance. Review status: criteria provided, multiple submitters, no conflicts (2 of 4 stars). 3 submissions from 3 submitters: Uncertain significance (3). Last evaluated 2025-03-18.

Conditions:
SETD1B-related disorder. Also called: SETD1B-related condition.

Submissions (3):

PreventionGenetics, part of Exact Sciences
Classification: Uncertain significance for SETD1B-related condition. Last evaluated: 2025-03-18. Review status: criteria provided, single submitter. Criteria: ACMG Guidelines, 2015. Collection method: clinical testing. Allele origin: germline.
Comment: The SETD1B c.1981_1986del6 variant is predicted to result in an in-frame deletion (p.Val661_Val662del). To our knowledge, this variant has not been reported in the literature or in a large population database (gnomAD), indicating this variant is rare. At this time, the clinical significance of this variant is uncertain due to the absence of conclusive functional and genetic evidence.

Blueprint Genetics
Classification: Uncertain significance. Last evaluated: 2024-11-14. Review status: criteria provided, single submitter. Criteria: ACMG Guidelines, 2015. Collection method: clinical testing. Allele origin: germline.

Women's Health and Genetics/Laboratory Corporation of America, LabCorp
Classification: Uncertain significance. Last evaluated: 2024-06-10. Review status: criteria provided, single submitter. Criteria: LabCorp Variant Classification Summary - May 2015. Collection method: clinical testing. Allele origin: germline.
Comment: Variant summary: SETD1B c.1981_1986delGTGGTG (p.Val661_Val662del) results in an in-frame deletion that is predicted to remove 2 amino acids from the encoded protein. The variant was absent in 143428 control chromosomes. The available data on variant occurrences in the general population are insufficient to allow any conclusion about variant significance. To our knowledge, no occurrence of c.1981_1986delGTGGTG in individuals affected with Intellectual Developmental Disorder With Seizures And Language Delay and no experimental evidence demonstrating its impact on protein function have been reported. ClinVar contains an entry for this variant (Variation ID: 1698531). Based on the evidence outlined above, the variant was classified as uncertain significance.